The following is an entry in ClinVar:

ClinVar aggregate classification (germline): Uncertain significance. Review status: criteria provided, single submitter (1 of 4 stars). 2 submissions from 2 submitters: Uncertain significance (1). 1 of the submissions does not count toward it. Last evaluated 2022-07-12.

Conditions:
NRP1-related disorder. Also called: NRP1-related condition.

Allele frequency attached by ClinVar (database versions not stated): gnomAD 0.00003; TOPMed 0.00005; ExAC 0.00006.
gnomAD v4.1: 108 of 1,613,968 alleles (0.0067%); highest among the groups gnomAD compares: Middle Eastern, 0.082%; no homozygotes.

Submissions (2):

Ambry Genetics
Classification: Uncertain significance. Last evaluated: 2022-07-12. Review status: criteria provided, single submitter. Criteria: Ambry Variant Classification Scheme 2023. Collection method: clinical testing. Allele origin: germline.

PreventionGenetics, part of Exact Sciences
Classification: Uncertain significance for NRP1-related condition. Last evaluated: 2024-03-05. Review status: no assertion criteria provided. Collection method: clinical testing. Allele origin: germline. Not counted in ClinVar's aggregate classification.
Comment: The NRP1 c.1483G>A variant is predicted to result in the amino acid substitution p.Val495Met. To our knowledge, this variant has not been reported in the literature. This variant is reported in 0.016% of alleles in individuals of South Asian descent in gnomAD. At this time, the clinical significance of this variant is uncertain due to the absence of conclusive functional and genetic evidence.

NM_003873.7(NRP1):c.1483G>A (p.Val495Met)

Gene: NRP1 (neuropilin 1; minus strand). Cytogenetic location: 10p11.22.
Variant type: single nucleotide variant.
Coding change: c.1483G>A on transcript NM_003873.7 (MANE Select); coding-DNA position 1483, G replaced by A.
Protein change: p.Val495Met; replaces valine 495 with methionine.
Molecular consequence: missense variant. On other transcripts: non-coding transcript variant (1).
Genome position (GRCh38, 1-based): chr10:33,213,517, C>T on the plus strand (G>A on the coding strand, the complement: NRP1 is on the minus strand). VCF-style: chr10-33213517-C-T. GRCh37 (hg19) VCF-style: chr10-33502445-C-T.
Other names: c.1483G>A, p.Val495Met (NM_001024628.3, NM_001024629.3, NM_001244972.2 and 2 more transcripts); short protein forms V495M.
Identifiers: ClinVar variation 2214934 (VCV002214934.3), dbSNP rs749575467, ClinGen allele CA5466636.